The following is an entry in ClinVar:

ClinVar aggregate classification (germline): Likely benign. Review status: criteria provided, multiple submitters, no conflicts (2 of 4 stars). 5 submissions from 5 submitters: Likely benign (5). Last evaluated 2025-08-13.

Conditions:
Hereditary cancer-predisposing syndrome. Also called: Neoplastic Syndromes, Hereditary; Hereditary neoplastic syndrome; Tumor predisposition; Hereditary Cancer Syndrome. Identifiers: Orphanet 140162, MedGen C0027672, MeSH D009386, MONDO:0015356.
Tuberous sclerosis syndrome (TSC). Also called: Tuberous Sclerosis Complex; Tuberous sclerosis. Identifiers: Orphanet 805, MedGen C0041341, MONDO:0001734.
Tuberous sclerosis 2 (TSC2). Identifiers: Orphanet 805, MedGen C1860707, MONDO:0013199, OMIM 613254.

Allele frequency attached by ClinVar (database versions not stated): gnomAD 0.00003; 1000 Genomes Project 30x 0.00016.
gnomAD v4.1: 8 of 1,605,950 alleles (0.0005%); highest among the groups gnomAD compares: African/African-American, 0.0094%; no homozygotes.

Submissions (5):

Labcorp Genetics (formerly Invitae), Labcorp
Classification: Likely benign for Tuberous sclerosis 2. Last evaluated: 2025-08-13. Review status: criteria provided, single submitter. Criteria: Invitae Variant Classification Sherloc (09022015). Collection method: clinical testing. Allele origin: germline.

Myriad Genetics, Inc.
Classification: Likely benign for Tuberous sclerosis 2. Last evaluated: 2025-05-16. Review status: criteria provided, single submitter. Criteria: Myriad Autosomal Dominant, Autosomal Recessive and X-Linked Classification Criteria (2023). Collection method: clinical testing. Allele origin: unknown.
Comment: This variant is considered likely benign. This variant is intronic and is not expected to impact mRNA splicing.

Color Diagnostics, LLC DBA Color Health
Classification: Likely benign for Tuberous sclerosis syndrome. Last evaluated: 2022-11-29. Review status: criteria provided, single submitter. Criteria: ACMG Guidelines, 2015. Collection method: clinical testing. Allele origin: germline.

Ambry Genetics
Classification: Likely benign for Hereditary cancer-predisposing syndrome. Last evaluated: 2022-04-18. Review status: criteria provided, single submitter. Criteria: Ambry Variant Classification Scheme 2023. Collection method: clinical testing. Allele origin: germline.

Genome-Nilou Lab
Classification: Likely benign for Tuberous sclerosis 2. Last evaluated: 2021-11-07. Review status: criteria provided, single submitter. Criteria: ACMG Guidelines, 2015. Collection method: clinical testing. Allele origin: germline. Affected: no.

NM_000548.5(TSC2):c.1947-4G>C

Gene: TSC2 (TSC complex subunit 2; plus strand). Cytogenetic location: 16p13.3.
Variant type: single nucleotide variant.
Coding change: c.1947-4G>C on transcript NM_000548.5 (MANE Select); 4 bases into the intron before coding-DNA position 1947, G replaced by C.
Molecular consequence: intron variant.
Genome position (GRCh38, 1-based): chr16:2,071,780, G>C. VCF-style: chr16-2071780-G-C. GRCh37 (hg19) VCF-style: chr16-2121781-G-C.
Other names: c.1947-4G>C (NM_001114382.3, NM_021055.3, NM_001370405.1 and 3 more transcripts); c.1836-4G>C (NM_001318827.2); c.1347-4G>C (NM_001318831.2); c.1800-4G>C (NM_001318829.2); c.1980-4G>C (NM_001318832.2).
Identifiers: ClinVar variation 774307 (VCV000774307.19), dbSNP rs201633455, ClinGen allele CA035187.